The following is an entry in ClinVar:

NM_015346.4(ZFYVE26):c.5694dup (p.Val1899fs)

Gene: ZFYVE26 (zinc finger FYVE-type containing 26; minus strand). Cytogenetic location: 14q24.1.
Variant type: Duplication.
Coding change: c.5694dup on transcript NM_015346.4 (MANE Select); coding-DNA position 5694, one base duplicated (T; older notation c.5694dupT).
Protein change: p.Val1899fs; shifts the reading frame from valine 1899.
Molecular consequence: frameshift variant.
Genome position (GRCh38, 1-based): chr14:67,767,800, A duplicated on the plus strand (T on the coding strand, the reverse complement: ZFYVE26 is on the minus strand); the first of 3 consecutive A bases (chr14:67,767,800-67,767,802); duplicating any one gives the same sequence. VCF-style (leftmost placement, unchanged base first): chr14-67767799-C-CA. GRCh37 (hg19) VCF-style: chr14-68234516-C-CA.
Other names: short protein forms V1899fs.
Identifiers: ClinVar variation 861470 (VCV000861470.7), dbSNP rs2039098098, ClinGen allele CA916083380.

ClinVar aggregate classification (germline): Pathogenic (1 of 4 stars; one submission).

Conditions:
Spastic paraplegia. Identifiers: MedGen C0037772, HP:0001258.

Submission:

Labcorp Genetics (formerly Invitae), Labcorp
Classification: Pathogenic for Spastic paraplegia. Last evaluated: 2019-12-11. Review status: criteria provided, single submitter. Criteria: Invitae Variant Classification Sherloc (09022015). Collection method: clinical testing. Allele origin: germline.
Comment: For these reasons, this variant has been classified as Pathogenic. Loss-of-function variants in ZFYVE26 are known to be pathogenic (PMID: 18394578, 19805727). This variant has not been reported in the literature in individuals with ZFYVE26-related conditions. This variant is not present in population databases (ExAC no frequency). This sequence change creates a premature translational stop signal (p.Val1899Cysfs*9) in the ZFYVE26 gene. It is expected to result in an absent or disrupted protein product.

Literature cited by the submitters: PubMed 18394578; PubMed 19805727.